The following is an entry in ClinVar:

ClinVar aggregate classification (germline): Uncertain significance (1 of 4 stars; one submission).

Conditions:
Long QT syndrome (LQTS). Identifiers: MedGen C0023976, MeSH D008133, MONDO:0002442. Disease mechanism: loss of function. Inheritance: Various modes of inheritance.

Allele frequency attached by ClinVar (database versions not stated): TOPMed 0.00001.

Submission:

Labcorp Genetics (formerly Invitae), Labcorp
Classification: Uncertain significance for Long QT syndrome. Last evaluated: 2023-10-22. Review status: criteria provided, single submitter. Criteria: Invitae Variant Classification Sherloc (09022015). Collection method: clinical testing. Allele origin: germline.
Comment: This sequence change replaces alanine, which is neutral and non-polar, with threonine, which is neutral and polar, at codon 3151 of the ANK2 protein (p.Ala3151Thr). This variant is not present in population databases (gnomAD no frequency). This variant has not been reported in the literature in individuals affected with ANK2-related conditions. Algorithms developed to predict the effect of missense changes on protein structure and function output the following: SIFT: "Not Available"; PolyPhen-2: "Benign"; Align-GVGD: "Not Available". The threonine amino acid residue is found in multiple mammalian species, which suggests that this missense change does not adversely affect protein function. In summary, the available evidence is currently insufficient to determine the role of this variant in disease. Therefore, it has been classified as a Variant of Uncertain Significance.

NM_001148.6(ANK2):c.9451G>A (p.Ala3151Thr)

Gene: ANK2 (ankyrin 2; plus strand). Cytogenetic location: 4q26.
Variant type: single nucleotide variant.
Coding change: c.9451G>A on transcript NM_001148.6 (MANE Select); coding-DNA position 9451, G replaced by A.
Protein change: p.Ala3151Thr; replaces alanine 3151 with threonine.
Molecular consequence: missense variant. On other transcripts: intron variant (68).
Genome position (GRCh38, 1-based): chr4:113,358,069, G>A. VCF-style: chr4-113358069-G-A. GRCh37 (hg19) VCF-style: chr4-114279225-G-A.
Other names: c.9217G>A, p.Ala3073Thr (NM_001386142.1); c.5851G>A, p.Ala1951Thr (NM_001386166.1); c.9592G>A, p.Ala3198Thr (NM_001386174.1); c.9568G>A, p.Ala3190Thr (NM_001386175.1); c.4412-2754G>A (NM_001386186.2, NM_001386148.2); c.4214-2754G>A (NM_001354269.3); c.4292-2754G>A (NM_001386187.2); c.4253-2754G>A (NM_001386147.1); and 35 more; short protein forms A3198T, A1951T, A3073T, A3151T, A3190T.
Identifiers: ClinVar variation 2904490 (VCV002904490.3), dbSNP rs1423416014, ClinGen allele CA357937588.